The following is an entry in ClinVar:

NM_001267727.2(ARSG):c.1501G>A (p.Ala501Thr)

Genes: ARSG (arylsulfatase G; plus strand), PRKAR1A (protein kinase cAMP-dependent type I regulatory subunit alpha; plus strand). Cytogenetic location: 17q24.2.
Variant type: single nucleotide variant.
Coding change: c.1501G>A on transcript NM_001267727.2 (MANE Select); coding-DNA position 1501, G replaced by A.
Protein change: p.Ala501Thr; replaces alanine 501 with threonine.
Molecular consequence: missense variant. On other transcripts: intron variant (3).
Genome position (GRCh38, 1-based): chr17:68,420,386, G>A. VCF-style: chr17-68420386-G-A. GRCh37 (hg19) VCF-style: chr17-66416527-G-A.
Other names: c.1501G>A, p.Ala501Thr (NM_001352899.2, NM_001352900.2, NM_001352901.2 and 2 more transcripts); c.1498G>A, p.Ala500Thr (NM_001352903.2, NM_001352904.2, NM_001352905.2 and 2 more transcripts); c.1303+18936G>A (NM_001352910.2); c.1255+18936G>A (NM_001352909.2); c.-7+6591G>A (NM_001278433.2); short protein forms A500T, A501T.
Identifiers: ClinVar variation 1524091 (VCV001524091.32), dbSNP rs202165247, ClinGen allele CA8728598.

ClinVar aggregate classification (germline): Conflicting classifications of pathogenicity. Review status: criteria provided, conflicting classifications (1 of 4 stars). 5 submissions from 5 submitters: Uncertain significance (4); Likely benign (1). Last evaluated 2025-06-18.

Allele frequency attached by ClinVar (database versions not stated): gnomAD 0.00007 and 0.00004; ExAC 0.00009; TOPMed 0.00005; gnomAD exomes 0.00006 and 0.00009; ESP Exome Variant Server 0.00023.
gnomAD v4.1: 93 of 1,614,060 alleles (0.0058%); highest among the groups gnomAD compares: Middle Eastern, 0.16%; no homozygotes.

Submissions (5):

Ambry Genetics
Classification: Uncertain significance. Last evaluated: 2025-06-18. Review status: criteria provided, single submitter. Criteria: Ambry Variant Classification Scheme 2023. Collection method: clinical testing. Allele origin: germline.

Blueprint Genetics
Classification: Uncertain significance. Last evaluated: 2023-08-09. Review status: criteria provided, single submitter. Criteria: ACMG Guidelines, 2015. Collection method: clinical testing. Allele origin: germline.

CeGaT Center for Human Genetics Tuebingen
Classification: Likely benign. Last evaluated: 2022-11-01. Review status: criteria provided, single submitter. Criteria: CeGaT Center For Human Genetics Tuebingen Variant Classification Criteria Version 2. Collection method: clinical testing. Allele origin: germline. Affected: yes. Observed: 1 variant allele.
Comment: ARSG: BP4

Labcorp Genetics (formerly Invitae), Labcorp
Classification: Uncertain significance. Last evaluated: 2022-08-23. Review status: criteria provided, single submitter. Criteria: Invitae Variant Classification Sherloc (09022015). Collection method: clinical testing. Allele origin: germline.
Comment: This sequence change replaces alanine, which is neutral and non-polar, with threonine, which is neutral and polar, at codon 501 of the ARSG protein (p.Ala501Thr). This variant is present in population databases (rs202165247, gnomAD 0.03%). This variant has not been reported in the literature in individuals affected with ARSG-related conditions. ClinVar contains an entry for this variant (Variation ID: 1524091). Algorithms developed to predict the effect of missense changes on protein structure and function are either unavailable or do not agree on the potential impact of this missense change (SIFT: "Deleterious"; PolyPhen-2: "Benign"; Align-GVGD: "Class C0"). In summary, the available evidence is currently insufficient to determine the role of this variant in disease. Therefore, it has been classified as a Variant of Uncertain Significance.

Breakthrough Genomics
Classification: Uncertain significance. Review status: criteria provided, single submitter. Criteria: ACMG Guidelines, 2015. Collection method: not provided. Allele origin: germline. Inheritance: Autosomal recessive inheritance. Affected: yes.